The following is an entry in ClinVar:

NM_005235.3(ERBB4):c.3594C>T (p.Ala1198=)

Gene: ERBB4 (erb-b2 receptor tyrosine kinase 4; minus strand). Cytogenetic location: 2q34.
Variant type: single nucleotide variant.
Coding change: c.3594C>T on transcript NM_005235.3 (MANE Select); coding-DNA position 3594, C replaced by T.
Protein change: p.Ala1198=; no amino-acid change (alanine 1198 retained).
Molecular consequence: synonymous variant.
Genome position (GRCh38, 1-based): chr2:211,383,948, G>A on the plus strand (C>T on the coding strand, the complement: ERBB4 is on the minus strand). VCF-style: chr2-211383948-G-A. GRCh37 (hg19) VCF-style: chr2-212248673-G-A.
Other names: c.3546C>T, p.Ala1182= (NM_001042599.2).
Identifiers: ClinVar variation 727073 (VCV000727073.11), dbSNP rs144904702, ClinGen allele CA2087396.
Genomic context (GRCh38, chr2:211,383,948, plus strand): 5'-TTTTCCCAAGGTGTTGGCAAAGGTGTTGAGGTACAGTGGCTCATTCACATACTCATCCTC[G>A]GCCTTGGGTGGACCATTGGATGCATTGTGATATTCGGGATTATCCAATGCTTGAAGGTCT-3'
Protein context (NP_005226.1, residues 1188-1208): YHNASNGPPK[Ala1198=]EDEYVNEPLY

ClinVar aggregate classification (germline): Benign/Likely benign. Review status: criteria provided, multiple submitters, no conflicts (2 of 4 stars). 2 submissions from 2 submitters: Benign (1); Likely benign (1). Last evaluated 2026-08-01.

Allele frequency attached by ClinVar (database versions not stated): gnomAD exomes 0.00061; ExAC 0.00072; ESP Exome Variant Server 0.00169; gnomAD 0.00214 and 0.00226; TOPMed 0.00237; 1000 Genomes Project 0.00240; 1000 Genomes Project 30x 0.00265.
gnomAD v4.1: 612 of 1,613,932 alleles (0.038%); highest among the groups gnomAD compares: African/African-American, 0.7%; 3 homozygotes.

Submissions (2):

CeGaT Center for Human Genetics Tuebingen
Classification: Likely benign. Last evaluated: 2026-08-01. Review status: criteria provided, single submitter. Criteria: CeGaT Center For Human Genetics Tuebingen Variant Classification Criteria Version 2. Collection method: clinical testing. Allele origin: germline. Affected: yes. Observed: 1 variant allele.
Comment: ERBB4: BP4, BP7

Labcorp Genetics (formerly Invitae), Labcorp
Classification: Benign. Last evaluated: 2025-12-01. Review status: criteria provided, single submitter. Criteria: Invitae Variant Classification Sherloc (09022015). Collection method: clinical testing. Allele origin: germline.